The following is an entry in ClinVar:

NM_001130987.2(DYSF):c.1905C>T (p.Ile635=)

Gene: DYSF (dysferlin; plus strand). Cytogenetic location: 2p13.2.
Variant type: single nucleotide variant.
Coding change: c.1905C>T on transcript NM_001130987.2 (MANE Select); coding-DNA position 1905, C replaced by T.
Protein change: p.Ile635=; no amino-acid change (isoleucine 635 retained).
Molecular consequence: synonymous variant.
Genome position (GRCh38, 1-based): chr2:71,553,109, C>T. VCF-style: chr2-71553109-C-T. GRCh37 (hg19) VCF-style: chr2-71780239-C-T.
Other names: c.1854C>T, p.Ile618= (NM_001130455.2, NM_001130983.2); c.1809C>T, p.Ile603= (NM_001130976.2, NM_001130977.2); c.1851C>T, p.Ile617= (NM_001130978.2, NM_003494.4); c.1944C>T, p.Ile648= (NM_001130979.2); c.1902C>T, p.Ile634= (NM_001130980.2, NM_001130981.2); c.1947C>T, p.Ile649= (NM_001130982.2); c.1812C>T, p.Ile604= (NM_001130984.2, NM_001130986.2); c.1905C>T, p.Ile635= (NM_001130985.2).
Identifiers: ClinVar variation 767357 (VCV000767357.18), dbSNP rs567956595, ClinGen allele CA1705977.

ClinVar aggregate classification (germline): Benign/Likely benign. Review status: criteria provided, multiple submitters, no conflicts (2 of 4 stars). 7 submissions from 5 submitters: Benign (1); Likely benign (4). 2 of the submissions do not count toward it. Last evaluated 2026-01-27.

Conditions:
DYSF-related disorder. Also called: DYSF-related condition; DYSF-related disorders.
Autosomal recessive limb-girdle muscular dystrophy type 2B (LGMDR2). Also called: Limb-girdle muscular dystrophy, type 2B; Limb-Girdle Muscular Dystrophy Type 2B (LGMD2B); MUSCULAR DYSTROPHY, LIMB-GIRDLE, TYPE 3; MUSCULAR DYSTROPHY, LIMB-GIRDLE, AUTOSOMAL RECESSIVE 2. Identifiers: Orphanet 268, MedGen C1850889, MONDO:0009676, OMIM 253601.
Neuromuscular disease caused by qualitative or quantitative defects of dysferlin. Also called: Qualitative or quantitative defects of dysferlin; Dysferlinopathy. Identifiers: Orphanet 207073, MedGen C2931687, MONDO:0016145.
Miyoshi muscular dystrophy 1 (MMD1). Identifiers: Orphanet 45448, MedGen C4551973, MONDO:0024545, OMIM 254130.
Distal myopathy with anterior tibial onset. Identifiers: Orphanet 178400, MedGen C1847532, MONDO:0011721, OMIM 606768.

Allele frequency attached by ClinVar (database versions not stated): gnomAD 0.00001 and 0.00019; TOPMed 0.00004; 1000 Genomes Project 30x 0.00031; 1000 Genomes Project 0.00040; gnomAD exomes 0.00058; ExAC 0.00063.
gnomAD v4.1: 480 of 1,614,186 alleles (0.03%); highest among the groups gnomAD compares: South Asian, 0.45%; 3 homozygotes.

Submissions (7):

Labcorp Genetics (formerly Invitae), Labcorp
Classification: Benign for Neuromuscular disease caused by qualitative or quantitative defects of dysferlin. Last evaluated: 2026-01-27. Review status: criteria provided, single submitter. Criteria: Invitae Variant Classification Sherloc (09022015). Collection method: clinical testing. Allele origin: germline.

Blueprint Genetics
Classification: Likely benign. Last evaluated: 2024-11-08. Review status: criteria provided, single submitter. Criteria: ACMG Guidelines, 2015. Collection method: clinical testing. Allele origin: germline.

Genome-Nilou Lab
Classification: Likely benign for Miyoshi muscular dystrophy 1. Last evaluated: 2021-07-14. Review status: criteria provided, single submitter. Criteria: ACMG Guidelines, 2015. Collection method: clinical testing. Allele origin: germline. Affected: no.

Genome-Nilou Lab
Classification: Likely benign for Autosomal recessive limb-girdle muscular dystrophy type 2B. Last evaluated: 2021-07-14. Review status: criteria provided, single submitter. Criteria: ACMG Guidelines, 2015. Collection method: clinical testing. Allele origin: germline. Affected: no.

Genome-Nilou Lab
Classification: Likely benign for Distal myopathy with anterior tibial onset. Last evaluated: 2021-07-14. Review status: criteria provided, single submitter. Criteria: ACMG Guidelines, 2015. Collection method: clinical testing. Allele origin: germline. Affected: no.

Natera, Inc.
Classification: Uncertain significance for Limb-girdle muscular dystrophy type 2B. Last evaluated: 2020-01-24. Review status: no assertion criteria provided. Collection method: clinical testing. Allele origin: germline. Not counted in ClinVar's aggregate classification.

PreventionGenetics, part of Exact Sciences
Classification: Likely benign for DYSF-related condition. Last evaluated: 2019-05-24. Review status: no assertion criteria provided. Collection method: clinical testing. Allele origin: germline. Not counted in ClinVar's aggregate classification.
Comment: This variant is classified as likely benign based on ACMG/AMP sequence variant interpretation guidelines (Richards et al. 2015 PMID: 25741868, with internal and published modifications).